The following is an entry in ClinVar:

NM_006302.3(MOGS):c.1799_1804delinsGCTCGGTCCAG (p.Leu600fs)

Gene: MOGS (mannosyl-oligosaccharide glucosidase; minus strand). Cytogenetic location: 2p13.1.
Variant type: Indel.
Coding change: c.1799_1804delinsGCTCGGTCCAG on transcript NM_006302.3 (MANE Select); coding-DNA positions 1799 to 1804, TGCGAT replaced by GCTCGGTCCAG.
Protein change: p.Leu600fs; shifts the reading frame from leucine 600.
Molecular consequence: frameshift variant.
Genome position (GRCh38, 1-based): chr2:74,461,985-74,461,990, ATCGCA replaced by CTGGACCGAGC on the plus strand (TGCGAT replaced by GCTCGGTCCAG on the coding strand, the reverse complement: MOGS is on the minus strand). VCF-style: chr2-74461985-ATCGCA-CTGGACCGAGC. GRCh37 (hg19) VCF-style: chr2-74689112-ATCGCA-CTGGACCGAGC.
Other names: c.1799_1804delinsGCTCGGTCCAG, p.Leu600fs (LRG_1226t1); c.1481_1486delinsGCTCGGTCCAG, p.Leu494fs (NM_001146158.2); short protein forms L494fs, L600fs.
Identifiers: ClinVar variation 661640 (VCV000661640.5), dbSNP rs1572919848, ClinGen allele CA915944045.

ClinVar aggregate classification (germline): Uncertain significance (1 of 4 stars; one submission).

Conditions:
MOGS-congenital disorder of glycosylation. Also called: CDG IIb; CDG 2B; GLUCOSIDASE I DEFICIENCY; MOGS-CDG. Identifiers: Orphanet 79330, MedGen C1853736, MONDO:0011629, OMIM 606056.

Submission:

Labcorp Genetics (formerly Invitae), Labcorp
Classification: Uncertain significance for MOGS-congenital disorder of glycosylation. Last evaluated: 2024-02-24. Review status: criteria provided, single submitter. Criteria: Invitae Variant Classification Sherloc (09022015). Collection method: clinical testing. Allele origin: germline.
Comment: This sequence change creates a premature translational stop signal (p.Leu600Argfs*14) in the MOGS gene. While this is not anticipated to result in nonsense mediated decay, it is expected to disrupt the last 238 amino acid(s) of the MOGS protein. Information on the frequency of this variant in the gnomAD database is not available, as this variant may be reported differently in the database. This variant has not been reported in the literature in individuals affected with MOGS-related conditions. Experimental studies and prediction algorithms are not available or were not evaluated, and the functional significance of this variant is currently unknown. This variant disrupts a region of the MOGS protein in which other variant(s) (p.Phe652Leu) have been observed in individuals with MOGS-related conditions (PMID: 10788335). This suggests that this is a clinically significant region of the protein, and that variants that disrupt it are likely to be disease-causing. In summary, the available evidence is currently insufficient to determine the role of this variant in disease. Therefore, it has been classified as a Variant of Uncertain Significance.

Literature cited by the submitters: PubMed 10788335.